The following is an entry in ClinVar:

ClinVar aggregate classification (germline): Uncertain significance (1 of 4 stars; one submission).

Submission:

Labcorp Genetics (formerly Invitae), Labcorp
Classification: Uncertain significance. Last evaluated: 2022-07-18. Review status: criteria provided, single submitter. Criteria: Invitae Variant Classification Sherloc (09022015). Collection method: clinical testing. Allele origin: germline.
Comment: This sequence change replaces asparagine, which is neutral and polar, with serine, which is neutral and polar, at codon 91 of the RGS9 protein (p.Asn91Ser). This variant is not present in population databases (gnomAD no frequency). This variant has not been reported in the literature in individuals affected with RGS9-related conditions. ClinVar contains an entry for this variant (Variation ID: 1016126). Algorithms developed to predict the effect of missense changes on protein structure and function (SIFT, PolyPhen-2, Align-GVGD) all suggest that this variant is likely to be tolerated. In summary, the available evidence is currently insufficient to determine the role of this variant in disease. Therefore, it has been classified as a Variant of Uncertain Significance.

NM_003835.4(RGS9):c.272A>G (p.Asn91Ser)

Gene: RGS9 (regulator of G protein signaling 9; plus strand). Cytogenetic location: 17q24.1.
Variant type: single nucleotide variant.
Coding change: c.272A>G on transcript NM_003835.4 (MANE Select); coding-DNA position 272, A replaced by G.
Protein change: p.Asn91Ser; replaces asparagine 91 with serine.
Molecular consequence: missense variant.
Genome position (GRCh38, 1-based): chr17:65,160,299, A>G. VCF-style: chr17-65160299-A-G. GRCh37 (hg19) VCF-style: chr17-63156417-A-G.
Other names: c.272A>G, p.Asn91Ser (NM_001081955.3, NM_001165933.2); short protein forms N91S.
Identifiers: ClinVar variation 1016126 (VCV001016126.8), dbSNP rs1910930351, ClinGen allele CA400664401.
Genomic context (GRCh38, chr17:65,160,299, plus strand): 5'-AGAACTTGGGCAACTTTATTGTCAGGTATGGCTACATTTACCCCCTGCAAGACCCCAAGA[A>G]TCTCATTCTCAAGCCTGATGGCAGCCTCTACAGATTTCAGGTGAGTCTTGGCCTTGACCC-3'
Protein context (NP_003826.2, residues 81-101): GYIYPLQDPK[Asn91Ser]LILKPDGSLY